The following is an entry in ClinVar:

ClinVar aggregate classification (germline): Uncertain significance (1 of 4 stars; one submission).

Conditions:
Cockayne syndrome. Identifiers: Orphanet 191, MedGen C0009207, MONDO:0016006.
Xeroderma pigmentosum, group F (XPF). Also called: XERODERMA PIGMENTOSUM VI; XP, GROUP F; XERODERMA PIGMENTOSUM, COMPLEMENTATION GROUP F; XERODERMA PIGMENTOSUM, TYPE F; Xeroderma pigmentosum, type 6; ERCC4-Related Xeroderma Pigmentosum. Identifiers: MedGen C0268140, MONDO:0010215, OMIM 278760.
Fanconi anemia complementation group Q. Identifiers: Orphanet 84, MedGen C3808988, MONDO:0014108, OMIM 615272.

Submission:

Labcorp Genetics (formerly Invitae), Labcorp
Classification: Uncertain significance for Fanconi anemia complementation group Q; Xeroderma pigmentosum, group F; Cockayne syndrome. Last evaluated: 2025-11-11. Review status: criteria provided, single submitter. Criteria: Invitae Variant Classification Sherloc (09022015). Collection method: clinical testing. Allele origin: germline.
Comment: This sequence change replaces leucine, which is neutral and non-polar, with phenylalanine, which is neutral and non-polar, at codon 84 of the ERCC4 protein (p.Leu84Phe). This variant is not present in population databases (gnomAD no frequency). This variant has not been reported in the literature in individuals affected with ERCC4-related conditions. ClinVar contains an entry for this variant (Variation ID: 1399507). Invitae Evidence Modeling of protein sequence and biophysical properties (such as structural, functional, and spatial information, amino acid conservation, physicochemical variation, residue mobility, and thermodynamic stability) indicates that this missense variant is expected to disrupt ERCC4 protein function with a positive predictive value of 80%. In summary, the available evidence is currently insufficient to determine the role of this variant in disease. Therefore, it has been classified as a Variant of Uncertain Significance.

NM_005236.3(ERCC4):c.250C>T (p.Leu84Phe)

Gene: ERCC4 (ERCC excision repair 4, endonuclease catalytic subunit; plus strand). Cytogenetic location: 16p13.12.
Variant type: single nucleotide variant.
Coding change: c.250C>T on transcript NM_005236.3 (MANE Select); coding-DNA position 250, C replaced by T.
Protein change: p.Leu84Phe; replaces leucine 84 with phenylalanine.
Molecular consequence: missense variant.
Genome position (GRCh38, 1-based): chr16:13,922,073, C>T. VCF-style: chr16-13922073-C-T. GRCh37 (hg19) VCF-style: chr16-14015930-C-T.
Other names: short protein forms L84F.
Identifiers: ClinVar variation 1399507 (VCV001399507.8), dbSNP rs2141939932, ClinGen allele CA394817688.